The following is an entry in ClinVar:

ClinVar aggregate classification (germline): Conflicting classifications of pathogenicity. Review status: criteria provided, conflicting classifications (1 of 4 stars). 3 submissions from 3 submitters: Likely pathogenic (1); Uncertain significance (2). Last evaluated 2025-05-28.

Conditions:
Lynch syndrome 4 (LYNCH4). Also called: Colorectal cancer, hereditary nonpolyposis, type 4; Hereditary non-polyposis colorectal cancer, type 4. Identifiers: Orphanet 144, MedGen C1838333, MONDO:0013699, OMIM 614337. Disease mechanism: loss of function.
Hereditary nonpolyposis colorectal neoplasms. Identifiers: MedGen C0009405, MeSH D003123.
Hereditary cancer-predisposing syndrome. Also called: Neoplastic Syndromes, Hereditary; Tumor predisposition; Hereditary Cancer Syndrome; Hereditary neoplastic syndrome. Identifiers: Orphanet 140162, MedGen C0027672, MeSH D009386, MONDO:0015356.

Submissions (3):

Labcorp Genetics (formerly Invitae), Labcorp
Classification: Uncertain significance for Hereditary nonpolyposis colorectal neoplasms. Last evaluated: 2025-05-28. Review status: criteria provided, single submitter. Criteria: Invitae Variant Classification Sherloc (09022015). Collection method: clinical testing. Allele origin: germline.
Comment: This sequence change affects codon 235 of the PMS2 mRNA. It is a 'silent' change, meaning that it does not change the encoded amino acid sequence of the PMS2 protein. This variant also falls at the last nucleotide of exon 6, which is part of the consensus splice site for this exon. This variant is not present in population databases (gnomAD no frequency). This variant has not been reported in the literature in individuals affected with PMS2-related conditions. ClinVar contains an entry for this variant (Variation ID: 234136). Variants that disrupt the consensus splice site are a relatively common cause of aberrant splicing (PMID: 17576681, 9536098). Algorithms developed to predict the effect of sequence changes on RNA splicing suggest that this variant may disrupt the consensus splice site. In summary, the available evidence is currently insufficient to determine the role of this variant in disease. Therefore, it has been classified as a Variant of Uncertain Significance.

Ambry Genetics
Classification: Likely pathogenic for Hereditary cancer-predisposing syndrome. Last evaluated: 2025-03-27. Review status: criteria provided, single submitter. Criteria: Ambry Variant Classification Scheme 2023. Collection method: clinical testing. Allele origin: germline.
Comment: The c.705G>A variant (also known as p.Q235Q) is located in coding exon 6 of the PMS2 gene. This variant results from a G to A substitution at nucleotide position 705. This nucleotide substitution does not change the amino acid at codon 235. However, this change occurs in the last base pair of coding exon 6, which makes it likely to have some effect on normal mRNA splicing. This variant has been identified in proband(s) whose Lynch syndrome-associated tumor demonstrated loss of PMS2 expression by immunohistochemistry (Li S et al. J. Med. Genet. 2020 Jan;57:62-69; Ambry internal data). This nucleotide position is highly conserved in available vertebrate species. In silico splice site analysis predicts that this alteration will weaken the native splice donor site. This variant is considered to be rare based on population cohorts in the Genome Aggregation Database (gnomAD). Based on the majority of available evidence to date, this variant is likely to be pathogenic.

Genetics and Molecular Pathology, SA Pathology
Classification: Uncertain significance for Lynch syndrome 4. Last evaluated: 2022-05-06. Review status: criteria provided, single submitter. Criteria: ACMG Guidelines, 2015. Collection method: clinical testing. Allele origin: germline. Inheritance: Autosomal dominant inheritance. Affected: yes.

Literature cited by the submitters: PubMed 17576681 (cited by Labcorp Genetics (formerly Invitae), Labcorp); PubMed 9536098 (cited by Labcorp Genetics (formerly Invitae), Labcorp).

NM_000535.7(PMS2):c.705G>A (p.Gln235=)

Gene: PMS2 (PMS1 homolog 2, mismatch repair system component; minus strand). Cytogenetic location: 7p22.1.
Variant type: single nucleotide variant.
Coding change: c.705G>A on transcript NM_000535.7 (MANE Select); coding-DNA position 705, G replaced by A.
Protein change: p.Gln235=; no amino-acid change (glutamine 235 retained).
Molecular consequence: synonymous variant. On other transcripts: 5 prime UTR variant (2), non-coding transcript variant (1), intron variant (1).
Genome position (GRCh38, 1-based): chr7:5,999,108, C>T on the plus strand (G>A on the coding strand, the complement: PMS2 is on the minus strand). VCF-style: chr7-5999108-C-T. GRCh37 (hg19) VCF-style: chr7-6038739-C-T.
Other names: c.300G>A, p.Gln100= (NM_001322003.2, NM_001322004.2, NM_001322005.2 and 2 more transcripts); c.705G>A, p.Gln235= (NM_001322006.2, NM_001322014.2); c.387G>A, p.Gln129= (NM_001322007.2, NM_001322008.2); c.-229G>A (NM_001322011.2, NM_001322012.2); c.396G>A, p.Gln132= (NM_001322015.2); c.133-1685G>A (NM_001322013.2).
Identifiers: ClinVar variation 234136 (VCV000234136.13), dbSNP rs876660872, ClinGen allele CA10578699.
Genomic context (GRCh38, chr7:5,999,108, plus strand): 5'-TGGAAACCCGCTATAATCACTAGAGCAATAAGAGGCGTTGAAGTAACCGGCCATCACTAC[C>T]TGCTTCTGCCCAAACACAGAGCCGATATTTTCCTTTATGCTGGGGCTTCCACCTGTGCAT-3'
Protein context (NP_000526.2, residues 225-245): ENIGSVFGQK[Gln235=]LQSLIPFVQL